The following is an entry in ClinVar:

NM_015338.6(ASXL1):c.3002C>T (p.Thr1001Ile)

Gene: ASXL1 (ASXL transcriptional regulator 1; plus strand). Cytogenetic location: 20q11.21.
Variant type: single nucleotide variant.
Coding change: c.3002C>T on transcript NM_015338.6 (MANE Select); coding-DNA position 3002, C replaced by T.
Protein change: p.Thr1001Ile; replaces threonine 1001 with isoleucine.
Molecular consequence: missense variant.
Genome position (GRCh38, 1-based): chr20:32,435,714, C>T. VCF-style: chr20-32435714-C-T. GRCh37 (hg19) VCF-style: chr20-31023517-C-T.
Other names: c.2819C>T, p.Thr940Ile (NM_001363734.1); short protein forms T940I, T1001I.
Identifiers: ClinVar variation 4588747 (VCV004588747.1).

ClinVar aggregate classification (germline): Uncertain significance (1 of 4 stars; one submission).

Conditions:
Inborn genetic diseases. Identifiers: MedGen C0950123, MeSH D030342.

gnomAD v4.1: 1 of 1,614,208 alleles (0.000062%); highest among the groups gnomAD compares: East Asian, 0.0022%; no homozygotes.

Submission:

Ambry Genetics
Classification: Uncertain significance for Inborn genetic diseases. Last evaluated: 2025-11-24. Review status: criteria provided, single submitter. Criteria: Ambry Variant Classification Scheme 2023. Collection method: clinical testing. Allele origin: germline.
Comment: The p.T1001I variant (also known as c.3002C>T), located in coding exon 13 of the ASXL1 gene, results from a C to T substitution at nucleotide position 3002. The threonine at codon 1001 is replaced by isoleucine, an amino acid with similar properties. This amino acid position is conserved. In addition, the in silico prediction for this alteration is inconclusive. Based on the available evidence, the clinical significance of this variant remains unclear.